The following is an entry in ClinVar:

ClinVar aggregate classification (germline): Uncertain significance (1 of 4 stars; one submission).

Submission:

GeneDx
Classification: Uncertain significance. Last evaluated: 2022-12-30. Review status: criteria provided, single submitter. Criteria: GeneDx Variant Classification Process June 2021. Collection method: clinical testing. Allele origin: germline. Affected: yes.
Comment: Not observed at significant frequency in large population cohorts (gnomAD); Missense variant in a gene in which most reported pathogenic variants are truncating/loss of function; Has not been previously published as pathogenic or benign to our knowledge

NM_001267550.2(TTN):c.7753A>G (p.Lys2585Glu)

Gene: TTN (titin; minus strand). Cytogenetic location: 2q31.2.
Variant type: single nucleotide variant.
Coding change: c.7753A>G on transcript NM_001267550.2 (MANE Select); coding-DNA position 7753, A replaced by G.
Protein change: p.Lys2585Glu; replaces lysine 2585 with glutamic acid.
Molecular consequence: missense variant.
Genome position (GRCh38, 1-based): chr2:178,773,211, T>C on the plus strand (A>G on the coding strand, the complement: TTN is on the minus strand). VCF-style: chr2-178773211-T-C. GRCh37 (hg19) VCF-style: chr2-179637938-T-C.
Other names: c.7753A>G, p.Lys2585Glu (NM_001256850.1, NM_133378.4, NM_133379.5); c.7615A>G, p.Lys2539Glu (NM_003319.4, NM_133432.3, NM_133437.4); short protein forms K2539E, K2585E.
Identifiers: ClinVar variation 2507067 (VCV002507067.1), dbSNP rs2532654142, ClinGen allele CA349679058.